The following is an entry in ClinVar:

ClinVar aggregate classification (germline): Pathogenic (1 of 4 stars; one submission).

Conditions:
Visceral heterotaxy. Also called: Heterotaxy syndrome; Heterotaxia. Identifiers: Orphanet 450, MedGen C3178805, MONDO:0018677.

Submission:

Labcorp Genetics (formerly Invitae), Labcorp
Classification: Pathogenic for Heterotaxia. Last evaluated: 2018-11-07. Review status: criteria provided, single submitter. Criteria: Invitae Variant Classification Sherloc (09022015). Collection method: clinical testing. Allele origin: germline.
Comment: This sequence change results in a premature translational stop signal in the GDF1 gene (p.Ala196Glyfs*177). While this is not anticipated to result in nonsense mediated decay, it is expected to disrupt the last 177 amino acids of the GDF1 protein. The frequency data for this variant in the population databases is considered unreliable, as metrics indicate insufficient coverage at this position in the ExAC database. This variant has not been reported in the literature in individuals with GDF1-related disease. This variant disrupts the C-terminus of the GDF1 protein. Other variant(s) that disrupt this region (p.Cys227*) have been determined to be pathogenic (PMID: 20413652,Â¬â€ 28991257, Invitae). This suggests that variants that disrupt this region of the protein are likely to be causative of disease. For these reasons, this variant has been classified as Pathogenic.

Literature cited by the submitters: PubMed 20413652.

NM_001492.6(GDF1):c.523_586dup (p.Ala196fs)

Genes: CERS1 (ceramide synthase 1; minus strand), GDF1 (growth differentiation factor 1; minus strand). Cytogenetic location: 19p13.11.
Variant type: Duplication.
Coding change: c.523_586dup on transcript NM_001492.6 (MANE Select); coding-DNA positions 523 to 586, 64 bases duplicated.
Protein change: p.Ala196fs; shifts the reading frame from alanine 196.
Molecular consequence: frameshift variant. On other transcripts: 3 prime UTR variant (2).
Genome position (GRCh38, 1-based): chr19:18,869,130-18,869,193, 64 bases duplicated. GRCh37 (hg19): chr19:18,979,944-18,980,007.
Other names: c.*1384_*1447dup (NM_001387440.1); c.*792_*855dup (NM_021267.5); c.523_586dup, p.Ala196fs (NM_001387438.1); short protein forms A196fs.
Identifiers: ClinVar variation 665854 (VCV000665854.1), dbSNP rs1601143502, ClinGen allele CA915952973.